The following is an entry in ClinVar:

ClinVar aggregate classification (germline): Likely pathogenic (1 of 4 stars; one submission).

Conditions:
Rhabdoid tumor predisposition syndrome 2 (RTPS2). Identifiers: Orphanet 231108, Orphanet 69077, MedGen C2750074, MONDO:0013224, OMIM 613325.

Submission:

Institute for Genomic Medicine (IGM) Clinical Laboratory, Nationwide Children's Hospital
Classification: Likely pathogenic for Rhabdoid tumor predisposition syndrome 2. Last evaluated: 2023-12-18. Review status: criteria provided, single submitter. Criteria: ACMG Guidelines, 2015. Collection method: clinical testing. Allele origin: germline.
Comment: This variant is predicted to result in loss of function through nonsense-mediated decay of the encoded transcript or premature truncation of the encoded protein in a gene in which loss of function is a known mechanism of disease (ACMG/AMP: PVS1; PMIDs:25060813, 34642211). This variant is absent from or present at an exceedingly low frequency in gnomAD, a large-scale control population database (ACMG/AMP: PM2).

Literature cited by the submitters: PubMed 25060813; PubMed 34642211.

NM_003072.5(SMARCA4):c.4286del (p.Arg1429fs)

Gene: SMARCA4 (SWI/SNF related BAF chromatin remodeling complex subunit ATPase 4; plus strand). Cytogenetic location: 19p13.2.
Variant type: Deletion.
Coding change: c.4286del on transcript NM_003072.5 (MANE Select); coding-DNA position 4286, one base deleted (G; older notation c.4286delG).
Protein change: p.Arg1429fs; shifts the reading frame from arginine 1429.
Molecular consequence: frameshift variant. On other transcripts: non-coding transcript variant (1).
Genome position (GRCh38, 1-based): chr19:11,041,422, G deleted. VCF-style (leftmost placement, unchanged base first): chr19-11041421-CG-C. GRCh37 (hg19) VCF-style: chr19-11152097-CG-C.
Other names: c.4286del, p.Arg1429fs (NM_001128844.3); c.4196del, p.Arg1399fs (NM_001128845.2, NM_001128846.2); c.4187del, p.Arg1396fs (NM_001128847.4, NM_001128848.2, NM_001374457.1); c.4382del, p.Arg1461fs (NM_001128849.3, NM_001387283.1); c.4283del, p.Arg1428fs (NM_001411150.1); short protein forms R1396fs, R1399fs, R1428fs, R1429fs, R1461fs.
Identifiers: ClinVar variation 4759316 (VCV004759316.1).